The following is an entry in ClinVar:

NM_002225.5(IVD):c.350G>A (p.Arg117Gln)

Gene: IVD (isovaleryl-CoA dehydrogenase; plus strand). Cytogenetic location: 15q15.1.
Variant type: single nucleotide variant.
Coding change: c.350G>A on transcript NM_002225.5 (MANE Select); coding-DNA position 350, G replaced by A.
Protein change: p.Arg117Gln; replaces arginine 117 with glutamine.
Molecular consequence: missense variant. On other transcripts: non-coding transcript variant (1).
Genome position (GRCh38, 1-based): chr15:40,410,691, G>A. VCF-style: chr15-40410691-G-A. GRCh37 (hg19) VCF-style: chr15-40702890-G-A.
Other names: c.260G>A, p.Arg87Gln (NM_001159508.3); c.302G>A, p.Arg101Gln (NM_001354597.3); c.350G>A, p.Arg117Gln (NM_001354598.3, NM_001354601.3); c.437G>A, p.Arg146Gln (NM_001354599.3, NM_001354600.3); short protein forms R101Q, R117Q, R146Q, R87Q.
Identifiers: ClinVar variation 978711 (VCV000978711.7), dbSNP rs145725101, ClinGen allele CA7480603.
Genomic context (GRCh38, chr15:40,410,691, plus strand): 5'-AGTATGGCGGCTCCGGCCTGGGCTACCTGGAGCATGTGCTGGTGATGGAGGAGATATCCC[G>A]AGCTTCCGGAGCAGTGGGGCTCAGTTACGGTGCCCACTCCAACCTCTGCATCAACCAGCT-3'
Protein context (NP_002216.3, residues 107-127): EHVLVMEEIS[Arg117Gln]ASGAVGLSYG

ClinVar aggregate classification (germline): Conflicting classifications of pathogenicity. Review status: criteria provided, conflicting classifications (1 of 4 stars). 4 submissions from 4 submitters: Likely pathogenic (2); Uncertain significance (1). 1 of the submissions does not count toward it. Last evaluated 2024-05-15.

Conditions:
Isovaleryl-CoA dehydrogenase deficiency (IVA). Also called: Isovaleric acidemia; ISOVALERIC ACID CoA DEHYDROGENASE DEFICIENCY; Classic Isovaleric Acidemia; IVD DEFICIENCY. Identifiers: Orphanet 33, MedGen C0268575, MONDO:0009475, OMIM 243500.

Allele frequency attached by ClinVar (database versions not stated): gnomAD exomes below 0.00001 and 0.00001; ExAC 0.00001; TOPMed 0.00001; ESP Exome Variant Server 0.00015.
gnomAD v4.1: 8 of 1,614,212 alleles (0.0005%); highest among the groups gnomAD compares: East Asian, 0.0022%; no homozygotes.

Submissions (4):

Women's Health and Genetics/Laboratory Corporation of America, LabCorp
Classification: Uncertain significance. Last evaluated: 2024-05-15. Review status: criteria provided, single submitter. Criteria: LabCorp Variant Classification Summary - May 2015. Collection method: clinical testing. Allele origin: germline.
Comment: Variant summary: IVD c.350G>A (p.Arg117Gln) results in a conservative amino acid change located in the Adaptive response protein AidB, N-terminal domain (IPR041504) of the encoded protein sequence. Four of five in-silico tools predict a damaging effect of the variant on protein function. The variant allele was found at a frequency of 4e-06 in 251476 control chromosomes. c.350G>A has been reported in the literature in the presumed compound heterozygous state individuals affected with Isovaleryl-CoA Dehydrogenase Deficiency (e.g. Li_2019, Ding_2022, Wu_2021). These data indicate that the variant may be associated with disease. To our knowledge, no experimental evidence demonstrating an impact on protein function has been reported. This variant is also known as c.359G>A. The following publications have been ascertained in the context of this evaluation (PMID: 35846131, 31442447, 33935161). ClinVar contains an entry for this variant (Variation ID: 978711). Based on the evidence outlined above, the variant was classified as VUS-possibly pathogenic.

Natera, Inc.
Classification: Likely pathogenic for Isovaleryl-coa dehydrogenase deficiency. Last evaluated: 2024-03-25. Review status: criteria provided, single submitter. Criteria: Natera Variant Classification Schema (03/2026). Collection method: clinical testing. Allele origin: germline.
Comment: The c.359G>A variant in IVD is a missense variant predicted to cause substitution of arginine to glutamine at amino acid 120. This variant is rare in the general population with a frequency below the threshold expected for the associated phenotype(s). This variant has been observed in one or more individuals affected with the associated recessive disease, as either homozygous or compound heterozygous with a second variant (PMID: 33935161). This variant has been identified in one or more affected individuals with a phenotype highly consistent with the associated gene (PMID: 33935161). Computational prediction algorithms indicate this variant is likely to affect gene or protein function. Given the available evidence, this variant is classified as Likely Pathogenic.

Baylor Genetics
Classification: Likely pathogenic for Isovaleryl-CoA dehydrogenase deficiency. Last evaluated: 2023-02-08. Review status: criteria provided, single submitter. Criteria: ACMG Guidelines, 2015. Collection method: clinical testing. Allele origin: unknown.

Center for Molecular Medicine, Children’s Hospital of Fudan University
Classification: Likely pathogenic for Isovaleryl-CoA dehydrogenase deficiency. Last evaluated: 2020-07-07. Review status: no assertion criteria provided. Collection method: clinical testing. Allele origin: paternal. Affected: yes. Not counted in ClinVar's aggregate classification.

Literature cited by the submitters: PubMed 31442447 (cited by Women's Health and Genetics/Laboratory Corporation of America, LabCorp); PubMed 35846131 (cited by Women's Health and Genetics/Laboratory Corporation of America, LabCorp); PubMed 33935161 (cited by Women's Health and Genetics/Laboratory Corporation of America, LabCorp and Natera, Inc.).